The following is an entry in ClinVar:

NM_001692.4(ATP6V1B1):c.167G>A (p.Arg56Gln)

Genes: ATP6V1B1 (ATPase H+ transporting V1 subunit B1; plus strand), ATP6V1B1-AS1 (ATP6V1B1 antisense RNA 1; minus strand). Cytogenetic location: 2p13.3.
Variant type: single nucleotide variant.
Coding change: c.167G>A on transcript NM_001692.4 (MANE Select); coding-DNA position 167, G replaced by A.
Protein change: p.Arg56Gln; replaces arginine 56 with glutamine.
Molecular consequence: missense variant.
Genome position (GRCh38, 1-based): chr2:70,943,706, G>A. VCF-style: chr2-70943706-G-A. GRCh37 (hg19) VCF-style: chr2-71170836-G-A.
Other names: short protein forms R56Q.
Identifiers: ClinVar variation 1503362 (VCV001503362.5), dbSNP rs782628302, ClinGen allele CA1700919.

ClinVar aggregate classification (germline): Uncertain significance (1 of 4 stars; one submission).

Allele frequency attached by ClinVar (database versions not stated): ExAC 0.00001; gnomAD exomes 0.00001; TOPMed 0.00001.

Submission:

Labcorp Genetics (formerly Invitae), Labcorp
Classification: Uncertain significance. Last evaluated: 2021-09-17. Review status: criteria provided, single submitter. Criteria: Invitae Variant Classification Sherloc (09022015). Collection method: clinical testing. Allele origin: germline.
Comment: This sequence change replaces arginine with glutamine at codon 56 of the ATP6V1B1 protein (p.Arg56Gln). The arginine residue is weakly conserved and there is a small physicochemical difference between arginine and glutamine. This variant is present in population databases (rs782628302, ExAC 0.002%). This variant has not been reported in the literature in individuals with ATP6V1B1-related conditions. Algorithms developed to predict the effect of missense changes on protein structure and function output the following: SIFT: "Tolerated"; PolyPhen-2: "Benign"; Align-GVGD: "Class C0". The glutamine amino acid residue is found in multiple mammalian species, suggesting that this missense change does not adversely affect protein function. These predictions have not been confirmed by published functional studies and their clinical significance is uncertain. Algorithms developed to predict the effect of sequence changes on RNA splicing suggest that this variant may create or strengthen a splice site, but this prediction has not been confirmed by published transcriptional studies. In summary, the available evidence is currently insufficient to determine the role of this variant in disease. Therefore, it has been classified as a Variant of Uncertain Significance.